The following is an entry in ClinVar:

NM_000116.5(TAFAZZIN):c.231T>C (p.His77=)

Gene: TAFAZZIN (tafazzin, phospholipid-lysophospholipid transacylase; plus strand). Cytogenetic location: Xq28.
Variant type: single nucleotide variant.
Coding change: c.231T>C on transcript NM_000116.5 (MANE Select); coding-DNA position 231, T replaced by C.
Protein change: p.His77=; no amino-acid change (histidine 77 retained).
Molecular consequence: synonymous variant. On other transcripts: non-coding transcript variant (1).
Genome position (GRCh38, 1-based): chrX:154,412,207, T>C. VCF-style: chrX-154412207-T-C. GRCh37 (hg19) VCF-style: chrX-153640544-T-C.
Other names: c.285T>C, p.His95= (NM_001303465.2); c.231T>C, p.His77= (NM_181311.4, NM_181312.4, NM_181313.4).
Identifiers: ClinVar variation 389949 (VCV000389949.6), dbSNP rs782223969, ClinGen allele CA10562285.
Genomic context (GRCh38, chrX:154,412,207, plus strand): 5'-AGGCCCGGCCACGCCCCTCATCACCGTGTCCAATCACCAGTCCTGCATGGACGACCCTCA[T>C]CTCTGGGGTACCCGGGCCAGTGTGCTGGGCAGGGGGAGGAAAGGCGAGGATTCGGGACGG-3'
Protein context (NP_000107.1, residues 67-87): SNHQSCMDDP[His77=]LWGILKLRHI

ClinVar aggregate classification (germline): Likely benign. Review status: criteria provided, multiple submitters, no conflicts (2 of 4 stars). 3 submissions from 3 submitters: Likely benign (3). Last evaluated 2025-10-11.

Conditions:
Cardiovascular phenotype. Identifiers: MedGen CN230736.
3-Methylglutaconic aciduria type 2 (BTHS). Also called: CARDIOSKELETAL MYOPATHY WITH NEUTROPENIA AND ABNORMAL MITOCHONDRIA; Barth syndrome. Identifiers: Orphanet 111, MedGen C0574083, MONDO:0010543, OMIM 302060.

Allele frequency attached by ClinVar (database versions not stated): gnomAD exomes 0.00001 and 0.00006; ExAC 0.00003.
gnomAD v4.1: 67 of 1,196,493 alleles (0.0056%); highest among the groups gnomAD compares: Non-Finnish European, 0.0074%; no homozygotes.

Submissions (3):

Labcorp Genetics (formerly Invitae), Labcorp
Classification: Likely benign for 3-Methylglutaconic aciduria type 2. Last evaluated: 2025-10-11. Review status: criteria provided, single submitter. Criteria: Invitae Variant Classification Sherloc (09022015). Collection method: clinical testing. Allele origin: germline.

Ambry Genetics
Classification: Likely benign for Cardiovascular phenotype. Last evaluated: 2025-05-24. Review status: criteria provided, single submitter. Criteria: Ambry Variant Classification Scheme 2023. Collection method: clinical testing. Allele origin: germline.

GeneDx
Classification: Likely benign. Last evaluated: 2016-10-13. Review status: criteria provided, single submitter. Criteria: GeneDx Variant Classification (06012015). Collection method: clinical testing. Allele origin: germline. Affected: yes.
Comment: This variant is considered likely benign or benign based on one or more of the following criteria: it is a conservative change, it occurs at a poorly conserved position in the protein, it is predicted to be benign by multiple in silico algorithms, and/or has population frequency not consistent with disease.